The following is an entry in ClinVar:

NC_000005.9:g.(?_37057268)_(37061140_?)del

Gene: NIPBL (NIPBL cohesin loading factor; plus strand). Cytogenetic location: 5p13.2.
Variant type: Deletion.
Identifiers: ClinVar variation 1066822 (VCV001066822.7).

ClinVar aggregate classification (germline): Likely pathogenic (1 of 4 stars; one submission).

Conditions:
Cornelia de Lange syndrome 1 (CDLS1). Also called: Brachmann de Lange syndrome; TYPUS DEGENERATIVUS AMSTELODAMENSIS; NIPBL-Related Cornelia de Lange Syndrome. Identifiers: Orphanet 199, MedGen C4551851, MONDO:0007387, OMIM 122470.

Submission:

Labcorp Genetics (formerly Invitae), Labcorp
Classification: Likely pathogenic for Cornelia de Lange syndrome 1. Last evaluated: 2020-02-26. Review status: criteria provided, single submitter. Criteria: Invitae Variant Classification Sherloc (09022015). Collection method: clinical testing. Allele origin: germline.
Comment: In summary, the currently available evidence indicates that the variant is pathogenic, but additional data are needed to prove that conclusively. Therefore, this variant has been classified as Likely Pathogenic. This variant disrupts the p.Lys2611 amino acid residue in NIPBL. Other variant(s) that disrupt this residue have been determined to be pathogenic (Invitae). This suggests that this residue is clinically significant, and that variants that disrupt this residue are likely to be disease-causing. This variant has not been reported in the literature in individuals with NIPBL-related conditions. This variant is an in-frame deletion of the genomic region encompassing exon(s) 43-45 of the NIPBL gene. It preserves the integrity of the reading frame.